The following is an entry in ClinVar:

NM_144997.7(FLCN):c.274C>A (p.His92Asn)

Gene: FLCN (folliculin; minus strand). Cytogenetic location: 17p11.2.
Variant type: single nucleotide variant.
Coding change: c.274C>A on transcript NM_144997.7 (MANE Select); coding-DNA position 274, C replaced by A.
Protein change: p.His92Asn; replaces histidine 92 with asparagine.
Molecular consequence: missense variant.
Genome position (GRCh38, 1-based): chr17:17,226,298, G>T on the plus strand (C>A on the coding strand, the complement: FLCN is on the minus strand). VCF-style: chr17-17226298-G-T. GRCh37 (hg19) VCF-style: chr17-17129612-G-T.
Other names: c.274C>A, p.His92Asn (NM_001353229.2, NM_001353230.2, NM_001353231.2 and 1 more transcripts); short protein forms H92N.
Identifiers: ClinVar variation 5021864 (VCV005021864.1).

ClinVar aggregate classification (germline): Uncertain significance (1 of 4 stars; one submission).

Conditions:
Hereditary cancer-predisposing syndrome. Also called: Neoplastic Syndromes, Hereditary; Tumor predisposition; Hereditary neoplastic syndrome; Hereditary Cancer Syndrome. Identifiers: Orphanet 140162, MedGen C0027672, MeSH D009386, MONDO:0015356.

Submission:

Ambry Genetics
Classification: Uncertain significance for Hereditary cancer-predisposing syndrome. Last evaluated: 2026-08-05. Review status: criteria provided, single submitter. Criteria: Ambry Variant Classification Scheme 2023. Collection method: clinical testing. Allele origin: germline.
Comment: The p.H92N variant (also known as c.274C>A), located in coding exon 2 of the FLCN gene, results from a C to A substitution at nucleotide position 274. The histidine at codon 92 is replaced by asparagine, an amino acid with similar properties. This amino acid position is highly conserved in available vertebrate species. In addition, the in silico prediction for this alteration is inconclusive. Based on the available evidence, the clinical significance of this variant remains unclear.